The following is an entry in ClinVar:

ClinVar aggregate classification (germline): Uncertain significance (1 of 4 stars; one submission).

Conditions:
Developmental and epileptic encephalopathy 94 (DEE94). Also called: Epileptic encephalopathy, childhood-onset; CHD2-Related Neurodevelopmental Disorders. Identifiers: Orphanet 1942, Orphanet 2382, MedGen C3809278, MONDO:0014150, OMIM 615369.

Submission:

Labcorp Genetics (formerly Invitae), Labcorp
Classification: Uncertain significance for Developmental and epileptic encephalopathy 94. Last evaluated: 2019-04-25. Review status: criteria provided, single submitter. Criteria: Invitae Variant Classification Sherloc (09022015). Collection method: clinical testing. Allele origin: germline.
Comment: In summary, the available evidence is currently insufficient to determine the role of this variant in disease. Therefore, it has been classified as a Variant of Uncertain Significance. Algorithms developed to predict the effect of sequence changes on RNA splicing suggest that this variant may create or strengthen a splice site, but this prediction has not been confirmed by published transcriptional studies. Algorithms developed to predict the effect of missense changes on protein structure and function (SIFT, PolyPhen-2, Align-GVGD) all suggest that this variant is likely to be disruptive, but these predictions have not been confirmed by published functional studies and their clinical significance is uncertain. This variant has not been reported in the literature in individuals with CHD2-related conditions. This variant is not present in population databases (ExAC no frequency). This sequence change replaces isoleucine with arginine at codon 593 of the CHD2 protein (p.Ile593Arg). The isoleucine residue is highly conserved and there is a moderate physicochemical difference between isoleucine and arginine.

NM_001271.4(CHD2):c.1778T>G (p.Ile593Arg)

Gene: CHD2 (chromodomain helicase DNA binding protein 2; plus strand). Cytogenetic location: 15q26.1.
Variant type: single nucleotide variant.
Coding change: c.1778T>G on transcript NM_001271.4 (MANE Select); coding-DNA position 1778, T replaced by G.
Protein change: p.Ile593Arg; replaces isoleucine 593 with arginine.
Molecular consequence: missense variant.
Genome position (GRCh38, 1-based): chr15:92,955,481, T>G. VCF-style: chr15-92955481-T-G. GRCh37 (hg19) VCF-style: chr15-93498711-T-G.
Other names: short protein forms I593R.
Identifiers: ClinVar variation 945692 (VCV000945692.10), dbSNP rs2053607137, ClinGen allele CA393905678.
Genomic context (GRCh38, chr15:92,955,481, plus strand): 5'-AGATACGGGAATATGAATGGATTCATTCCCAAACCAAAAGATTGAAGTTCAACGCACTTA[T>G]AACAACATATGAGATCCTCTTGAAAGATAAGGTGTGTAATTAATATCTAAAAGGCTAAAT-3'
Protein context (NP_001262.3, residues 583-603): QTKRLKFNAL[Ile593Arg]TTYEILLKDK